The following is an entry in ClinVar:

NM_000264.5(PTCH1):c.2254G>A (p.Val752Met)

Genes: PTCH1 (patched 1; minus strand), LOC100507346 (uncharacterized LOC100507346; plus strand). Cytogenetic location: 9q22.32.
Variant type: single nucleotide variant.
Coding change: c.2254G>A on transcript NM_000264.5 (MANE Select); coding-DNA position 2254, G replaced by A.
Protein change: p.Val752Met; replaces valine 752 with methionine.
Molecular consequence: missense variant. On other transcripts: non-coding transcript variant (1).
Genome position (GRCh38, 1-based): chr9:95,467,422, C>T on the plus strand (G>A on the coding strand, the complement: PTCH1 is on the minus strand). VCF-style: chr9-95467422-C-T. GRCh37 (hg19) VCF-style: chr9-98229704-C-T.
Other names: c.2254G>A (NM_000264.3); c.2056G>A, p.Val686Met (NM_001083602.3); c.2251G>A, p.Val751Met (NM_001083603.3); c.1801G>A, p.Val601Met (NM_001083604.3, NM_001083605.3, NM_001083606.3 and 1 more transcripts); c.2098G>A, p.Val700Met (NM_001354918.2); short protein forms V700M, V601M, V686M, V751M, V752M.
Identifiers: ClinVar variation 1429280 (VCV001429280.10), dbSNP rs2117976199, ClinGen allele CA374114767.

ClinVar aggregate classification (germline): Uncertain significance. Review status: criteria provided, multiple submitters, no conflicts (2 of 4 stars). 2 submissions from 2 submitters: Uncertain significance (2). Last evaluated 2026-09-12.

Conditions:
Hereditary cancer-predisposing syndrome. Also called: Hereditary Cancer Syndrome; Neoplastic Syndromes, Hereditary; Hereditary neoplastic syndrome; Tumor predisposition. Identifiers: Orphanet 140162, MedGen C0027672, MeSH D009386, MONDO:0015356.
Gorlin syndrome. Also called: Nevoid Basal Cell Carcinoma Syndrome; Basal cell nevus syndrome. Identifiers: Orphanet 377, MedGen C0004779, MONDO:0007187.

Submissions (2):

Ambry Genetics
Classification: Uncertain significance for Hereditary cancer-predisposing syndrome. Last evaluated: 2026-09-12. Review status: criteria provided, single submitter. Criteria: Ambry Variant Classification Scheme 2023. Collection method: clinical testing. Allele origin: germline.
Comment: The p.V752M variant (also known as c.2254G>A), located in coding exon 15 of the PTCH1 gene, results from a G to A substitution at nucleotide position 2254. The valine at codon 752 is replaced by methionine, an amino acid with highly similar properties. This amino acid position is conserved. In addition, the in silico prediction for this alteration is inconclusive. Based on the available evidence, the clinical significance of this variant remains unclear.

Labcorp Genetics (formerly Invitae), Labcorp
Classification: Uncertain significance for Gorlin syndrome. Last evaluated: 2021-02-05. Review status: criteria provided, single submitter. Criteria: Invitae Variant Classification Sherloc (09022015). Collection method: clinical testing. Allele origin: germline.
Comment: In summary, the available evidence is currently insufficient to determine the role of this variant in disease. Therefore, it has been classified as a Variant of Uncertain Significance. Algorithms developed to predict the effect of sequence changes on RNA splicing suggest that this variant may create or strengthen a splice site, but this prediction has not been confirmed by published transcriptional studies. Advanced modeling of protein sequence and biophysical properties (such as structural, functional, and spatial information, amino acid conservation, physicochemical variation, residue mobility, and thermodynamic stability) performed at Invitae indicates that this missense variant is not expected to disrupt PTCH1 protein function. This variant has not been reported in the literature in individuals with PTCH1-related conditions. This variant is not present in population databases (ExAC no frequency). This sequence change replaces valine with methionine at codon 752 of the PTCH1 protein (p.Val752Met). The valine residue is moderately conserved and there is a small physicochemical difference between valine and methionine.